The following is an entry in ClinVar:

ClinVar aggregate classification (germline): Uncertain significance (1 of 4 stars; one submission).

Allele frequency attached by ClinVar (database versions not stated): ExAC 0.00002; TOPMed 0.00005; gnomAD 0.00006.
gnomAD v4.1: 37 of 1,613,016 alleles (0.0023%); highest among the groups gnomAD compares: African/African-American, 0.016%; no homozygotes.

Submission:

GeneDx
Classification: Uncertain significance. Last evaluated: 2022-07-11. Review status: criteria provided, single submitter. Criteria: GeneDx Variant Classification Process June 2021. Collection method: clinical testing. Allele origin: germline. Affected: yes.
Comment: In silico analysis supports that this missense variant has a deleterious effect on protein structure/function; Has not been previously published as pathogenic or benign to our knowledge

NM_001384125.1(BLTP1):c.944T>G (p.Met315Arg)

Gene: BLTP1 (bridge-like lipid transfer protein family member 1; plus strand). Cytogenetic location: 4q27.
Variant type: single nucleotide variant.
Coding change: c.944T>G on transcript NM_001384125.1 (MANE Select); coding-DNA position 944, T replaced by G.
Protein change: p.Met315Arg; replaces methionine 315 with arginine.
Molecular consequence: missense variant.
Genome position (GRCh38, 1-based): chr4:122,192,271, T>G. VCF-style: chr4-122192271-T-G. GRCh37 (hg19) VCF-style: chr4-123113426-T-G.
Other names: c.944T>G, p.Met315Arg (NM_015312.4); short protein forms M315R.
Identifiers: ClinVar variation 1878783 (VCV001878783.1), dbSNP rs758641131, ClinGen allele CA3065496.
Genomic context (GRCh38, chr4:122,192,271, plus strand): 5'-GTATGTTCTGGAATATAGGACTTGTTCCGGAAGAAACAGAAGAAAATATTGAAGGAGAAA[T>G]GAGCAGTGAGGATTGCAAATTACAAGACTTGCCTCCATGTTGGGGACTGGATATAGTTTG-3'
Protein context (NP_001371054.1, residues 305-325): EETEENIEGE[Met315Arg]SSEDCKLQDL